The following is an entry in ClinVar:

ClinVar aggregate classification (germline): Uncertain significance (1 of 4 stars; one submission).

Conditions:
Hereditary spastic paraplegia 4. Also called: Spastic paraplegia 4, autosomal dominant; Familial spastic paraplegia autosomal dominant 2; Spastic Paraplegia 4. Identifiers: Orphanet 100985, MedGen C1866855, MONDO:0008438, OMIM 182601.

gnomAD v4.1: 1 of 1,612,688 alleles (0.000062%); highest among the groups gnomAD compares: Admixed American, 0.0017%; no homozygotes.

Submission:

Labcorp Genetics (formerly Invitae), Labcorp
Classification: Uncertain significance for Hereditary spastic paraplegia 4. Last evaluated: 2024-12-09. Review status: criteria provided, single submitter. Criteria: Invitae Variant Classification Sherloc (09022015). Collection method: clinical testing. Allele origin: germline.
Comment: This sequence change replaces arginine, which is basic and polar, with leucine, which is neutral and non-polar, at codon 221 of the SPAST protein (p.Arg221Leu). This variant is not present in population databases (gnomAD no frequency). This variant has not been reported in the literature in individuals affected with SPAST-related conditions. ClinVar contains an entry for this variant (Variation ID: 2186691). Invitae Evidence Modeling of protein sequence and biophysical properties (such as structural, functional, and spatial information, amino acid conservation, physicochemical variation, residue mobility, and thermodynamic stability) has been performed for this missense variant. However, the output from this modeling did not meet the statistical confidence thresholds required to predict the impact of this variant on SPAST protein function. In summary, the available evidence is currently insufficient to determine the role of this variant in disease. Therefore, it has been classified as a Variant of Uncertain Significance.

NM_014946.4(SPAST):c.662G>T (p.Arg221Leu)

Gene: SPAST (spastin; plus strand). Cytogenetic location: 2p22.3.
Variant type: single nucleotide variant.
Coding change: c.662G>T on transcript NM_014946.4 (MANE Select); coding-DNA position 662, G replaced by T.
Protein change: p.Arg221Leu; replaces arginine 221 with leucine.
Molecular consequence: missense variant. On other transcripts: intron variant (3).
Genome position (GRCh38, 1-based): chr2:32,098,871, G>T. VCF-style: chr2-32098871-G-T. GRCh37 (hg19) VCF-style: chr2-32323940-G-T.
Other names: c.659G>T, p.Arg220Leu (NM_001363823.2); c.586+9266G>T (NM_199436.2, NM_001377959.1); c.583+9266G>T (NM_001363875.2); short protein forms R221L, R220L.
Identifiers: ClinVar variation 2186691 (VCV002186691.4), dbSNP rs765786158, ClinGen allele CA45206259.